The following is an entry in ClinVar:

NM_017777.4(MKS1):c.859-14_859-10del

Gene: MKS1 (MKS transition zone complex subunit 1; minus strand). Cytogenetic location: 17q22.
Variant type: Microsatellite.
Coding change: c.859-14_859-10del on transcript NM_017777.4 (MANE Select); 14 bases into the intron before coding-DNA position 859 through 10 bases into the intron before coding-DNA position 859, 5 bases deleted (GTTTG; older notation c.859-14_859-10delGTTTG).
Molecular consequence: intron variant.
Genome position (GRCh38, 1-based): chr17:58,212,444-58,212,448, CAAAC deleted on the plus strand (GTTTG on the coding strand, the reverse complement: MKS1 is on the minus strand); deleting any 5 consecutive bases within chr17:58,212,444-58,212,457 gives the same sequence; the c. name uses the placement nearest the transcript's 3' end. VCF-style (leftmost placement, unchanged base first): chr17-58212443-ACAAAC-A. GRCh37 (hg19) VCF-style: chr17-56289804-ACAAAC-A.
Other names: c.250-14_250-10del (NM_001321268.2); c.859-14_859-10del (NM_001330397.2, NM_001321269.2, NM_001411113.1).
Identifiers: ClinVar variation 4995778 (VCV004995778.1).
Genomic context (GRCh38, chr17:58,212,443, plus strand): 5'-CAAAGTCGGTGCCTACGAGGCTGCTGAGATACTCCTTGTGCCGGCCATAAAGCTGAGGAA[ACAAAC>A]CAAACCAAAACTCAAGATGCAACCCAAGCTAGACCAAAGTTCAGTTCTGAATGGGAAGAA-3'

ClinVar aggregate classification (germline): Likely benign (1 of 4 stars; one submission).

Conditions:
MKS1-related disorder. Also called: MKS1-related condition; MKS1-related disorders. Identifiers: MedGen CN239382.

Submission:

PreventionGenetics, part of Exact Sciences
Classification: Likely benign for MKS1-related condition. Last evaluated: 2026-06-05. Review status: criteria provided, single submitter. Criteria: ACMG Guidelines, 2015. Collection method: clinical testing. Allele origin: germline.
Comment: This variant is classified as likely benign based on ACMG/AMP sequence variant interpretation guidelines (Richards et al. 2015 PMID: 25741868, with internal and published modifications).